The following is an entry in ClinVar:

ClinVar aggregate classification (germline): Benign/Likely benign. Review status: criteria provided, multiple submitters, no conflicts (2 of 4 stars). 3 submissions from 3 submitters: Benign (1); Likely benign (1). 1 of the submissions does not count toward it. Last evaluated 2025-12-23.

Conditions:
MOCOS-related disorder. Also called: MOCOS-related condition.
Xanthinuria type II. Also called: Xanthine dehydrogenase and aldehyde oxidase combined deficiency of; XDH and AOX dual deficiency. Identifiers: Orphanet 3467, Orphanet 93602, MedGen C1863688, MONDO:0011346, OMIM 603592.

Allele frequency attached by ClinVar (database versions not stated): gnomAD exomes 0.00028 and 0.00075; ExAC 0.00092; gnomAD 0.00305 and 0.00322; TOPMed 0.00329; ESP Exome Variant Server 0.00338; 1000 Genomes Project 0.00339; 1000 Genomes Project 30x 0.00375.
gnomAD v4.1: 902 of 1,613,932 alleles (0.056%); highest among the groups gnomAD compares: African/African-American, 1%; 5 homozygotes.

Submissions (3):

Labcorp Genetics (formerly Invitae), Labcorp
Classification: Benign for Xanthinuria type II. Last evaluated: 2025-12-23. Review status: criteria provided, single submitter. Criteria: Invitae Variant Classification Sherloc (09022015). Collection method: clinical testing. Allele origin: germline.

Mayo Clinic Laboratories, Mayo Clinic
Classification: Likely benign. Last evaluated: 2025-12-17. Review status: criteria provided, single submitter. Criteria: ACMG Guidelines, 2015. Collection method: clinical testing. Allele origin: germline. Observed: 1 variant allele.
Comment: BS1, BP4_moderate

PreventionGenetics, part of Exact Sciences
Classification: Benign for MOCOS-related condition. Last evaluated: 2019-09-30. Review status: no assertion criteria provided. Collection method: clinical testing. Allele origin: germline. Not counted in ClinVar's aggregate classification.
Comment: This variant is classified as benign based on ACMG/AMP sequence variant interpretation guidelines (Richards et al. 2015 PMID: 25741868, with internal and published modifications).

NM_017947.4(MOCOS):c.1309A>G (p.Asn437Asp)

Gene: MOCOS (molybdenum cofactor sulfurase; plus strand). Cytogenetic location: 18q12.2.
Variant type: single nucleotide variant.
Coding change: c.1309A>G on transcript NM_017947.4 (MANE Select); coding-DNA position 1309, A replaced by G.
Protein change: p.Asn437Asp; replaces asparagine 437 with aspartic acid.
Molecular consequence: missense variant.
Genome position (GRCh38, 1-based): chr18:36,213,456, A>G. VCF-style: chr18-36213456-A-G. GRCh37 (hg19) VCF-style: chr18-33793419-A-G.
Other names: p.Asn437Asp; short protein forms N437D.
Identifiers: ClinVar variation 784606 (VCV000784606.14), dbSNP rs35264715, ClinGen allele CA8940686.
Genomic context (GRCh38, chr18:36,213,456, plus strand): 5'-CACCTGCGAACTGGCTGCTTCTGTAACACTGGGGCCTGCCAGAGGCACCTGGGCATAAGC[A>G]ACGAGATGGTCAGGAAGCATTTTCAGGTTGGTACAGGGCTCTGCGATCCAGACGCTGGTC-3'
Protein context (NP_060417.4, residues 427-447): GACQRHLGIS[Asn437Asp]EMVRKHFQAG